The following is an entry in ClinVar:

NM_001126108.2(SLC12A3):c.2129C>T (p.Ser710Leu)

Gene: SLC12A3 (solute carrier family 12 member 3; plus strand). Cytogenetic location: 16q13.
Variant type: single nucleotide variant.
Coding change: c.2129C>T on transcript NM_001126108.2 (MANE Select); coding-DNA position 2129, C replaced by T.
Protein change: p.Ser710Leu; replaces serine 710 with leucine.
Molecular consequence: missense variant.
Genome position (GRCh38, 1-based): chr16:56,887,044, C>T. VCF-style: chr16-56887044-C-T. GRCh37 (hg19) VCF-style: chr16-56920956-C-T.
Other names: c.2129C>T, p.Ser710Leu (NM_000339.3); c.2126C>T, p.Ser709Leu (NM_001126107.2); short protein forms S709L, S710L.
Identifiers: ClinVar variation 887608 (VCV000887608.7), dbSNP rs546999572, ClinGen allele CA8069741.

ClinVar aggregate classification (germline): Uncertain significance. Review status: criteria provided, multiple submitters, no conflicts (2 of 4 stars). 3 submissions from 3 submitters: Uncertain significance (3). Last evaluated 2024-04-10.

Conditions:
Familial hypokalemia-hypomagnesemia (GTLMNS). Also called: HYPOMAGNESEMIA-HYPOKALEMIA, PRIMARY RENOTUBULAR, WITH HYPOCALCIURIA; POTASSIUM AND MAGNESIUM DEPLETION; gitelman syndrome. Identifiers: Orphanet 358, MedGen C0268450, MONDO:0009904, OMIM 263800.

Allele frequency attached by ClinVar (database versions not stated): TOPMed 0.00006; 1000 Genomes Project 0.00020; 1000 Genomes Project 30x 0.00031.
gnomAD v4.1: 108 of 1,614,000 alleles (0.0067%); highest among the groups gnomAD compares: South Asian, 0.011%; no homozygotes.

Submissions (3):

Fulgent Genetics
Classification: Uncertain significance for Familial hypokalemia-hypomagnesemia. Last evaluated: 2024-04-10. Review status: criteria provided, single submitter. Criteria: ACMG Guidelines, 2015. Collection method: clinical testing. Allele origin: germline.

Labcorp Genetics (formerly Invitae), Labcorp
Classification: Uncertain significance. Last evaluated: 2022-02-22. Review status: criteria provided, single submitter. Criteria: Invitae Variant Classification Sherloc (09022015). Collection method: clinical testing. Allele origin: germline.
Comment: This sequence change replaces serine, which is neutral and polar, with leucine, which is neutral and non-polar, at codon 710 of the SLC12A3 protein (p.Ser710Leu). This variant is present in population databases (rs546999572, gnomAD 0.01%). This variant has not been reported in the literature in individuals affected with SLC12A3-related conditions. ClinVar contains an entry for this variant (Variation ID: 887608). Advanced modeling of protein sequence and biophysical properties (such as structural, functional, and spatial information, amino acid conservation, physicochemical variation, residue mobility, and thermodynamic stability) performed at Invitae indicates that this missense variant is not expected to disrupt SLC12A3 protein function. In summary, the available evidence is currently insufficient to determine the role of this variant in disease. Therefore, it has been classified as a Variant of Uncertain Significance.

Illumina Laboratory Services, Illumina
Classification: Uncertain significance for Familial hypokalemia-hypomagnesemia. Last evaluated: 2017-04-27. Review status: criteria provided, single submitter. Criteria: ICSL Variant Classification Criteria 13 December 2019. Collection method: clinical testing. Allele origin: germline.